The following is an entry in ClinVar:

NM_016107.5(ZFR):c.1227G>A (p.Val409=)

Gene: ZFR (zinc finger RNA binding protein; minus strand). Cytogenetic location: 5p13.3.
Variant type: single nucleotide variant.
Coding change: c.1227G>A on transcript NM_016107.5 (MANE Select); coding-DNA position 1227, G replaced by A.
Protein change: p.Val409=; no amino-acid change (valine 409 retained).
Molecular consequence: synonymous variant. On other transcripts: non-coding transcript variant (1).
Genome position (GRCh38, 1-based): chr5:32,403,395, C>T on the plus strand (G>A on the coding strand, the complement: ZFR is on the minus strand). VCF-style: chr5-32403395-C-T. GRCh37 (hg19) VCF-style: chr5-32403500-C-T.
Other names: c.1227G>A (NM_016107.4).
Identifiers: ClinVar variation 2869805 (VCV002869805.5), dbSNP rs142228440, ClinGen allele CA3221875.

ClinVar aggregate classification (germline): Likely benign. Review status: criteria provided, single submitter (1 of 4 stars). 2 submissions from 2 submitters: Likely benign (1). 1 of the submissions does not count toward it. Last evaluated 2023-02-24.

Conditions:
ZFR-related disorder. Also called: ZFR-related condition.
Pure or complex autosomal recessive spastic paraplegia. Identifiers: Orphanet 320346, MedGen C5679887, MONDO:0017915.

Allele frequency attached by ClinVar (database versions not stated): gnomAD 0.00001; gnomAD exomes 0.00001; ExAC 0.00002; TOPMed 0.00005; ESP Exome Variant Server 0.00008.
gnomAD v4.1: 14 of 1,611,346 alleles (0.00087%); highest among the groups gnomAD compares: Admixed American, 0.0017%; no homozygotes.

Submissions (2):

Labcorp Genetics (formerly Invitae), Labcorp
Classification: Likely benign for Pure or complex autosomal recessive spastic paraplegia. Last evaluated: 2023-02-24. Review status: criteria provided, single submitter. Criteria: Invitae Variant Classification Sherloc (09022015). Collection method: clinical testing. Allele origin: germline.

PreventionGenetics, part of Exact Sciences
Classification: Likely benign for ZFR-related condition. Last evaluated: 2023-01-03. Review status: no assertion criteria provided. Collection method: clinical testing. Allele origin: germline. Not counted in ClinVar's aggregate classification.
Comment: This variant is classified as likely benign based on ACMG/AMP sequence variant interpretation guidelines (Richards et al. 2015 PMID: 25741868, with internal and published modifications).